The following is an entry in ClinVar:

ClinVar aggregate classification (germline): Pathogenic (1 of 4 stars; one submission).

Conditions:
Marfan syndrome (MFS). Also called: MARFAN SYNDROME, TYPE I; Marfan syndrome type 1; Marfan's syndrome; Marfan syndrome, classic; FBN1-Related Marfan Syndrome. Identifiers: Orphanet 284963, Orphanet 558, MedGen C0024796, MONDO:0007947, OMIM 154700.
Familial thoracic aortic aneurysm and aortic dissection (TAAD). Also called: Thoracic aortic aneurysms and dissections. Identifiers: Orphanet 91387, MedGen C4707243, MONDO:0019625.

Submission:

Labcorp Genetics (formerly Invitae), Labcorp
Classification: Pathogenic for Marfan syndrome; Familial thoracic aortic aneurysm and aortic dissection. Last evaluated: 2024-10-04. Review status: criteria provided, single submitter. Criteria: Invitae Variant Classification Sherloc (09022015). Collection method: clinical testing. Allele origin: germline.
Comment: This sequence change replaces cysteine, which is neutral and slightly polar, with tryptophan, which is neutral and slightly polar, at codon 1720 of the FBN1 protein (p.Cys1720Trp). This variant is not present in population databases (gnomAD no frequency). This missense change has been observed in individual(s) with clinical features of Marfan syndrome (internal data). In at least one individual the variant was observed to be de novo. Invitae Evidence Modeling of protein sequence and biophysical properties (such as structural, functional, and spatial information, amino acid conservation, physicochemical variation, residue mobility, and thermodynamic stability) indicates that this missense variant is expected to disrupt FBN1 protein function with a positive predictive value of 95%. This variant affects a cysteine residue in the EGF-like, TGFBP or hybrid motif domains of FBN1. Cysteine residues are believed to be involved in intramolecular disulfide bridges and have been shown to be important for FBN1 protein structure (PMID: 16905551, 19349279). In addition, missense substitutions affecting cysteine residues within these domains are significantly overrepresented among patients with Marfan syndrome (PMID: 16571647, 17701892). This variant disrupts the p.Cys1720 amino acid residue in FBN1. Other variant(s) that disrupt this residue have been observed in individuals with FBN1-related conditions (PMID: 17657824), which suggests that this may be a clinically significant amino acid residue. For these reasons, this variant has been classified as Pathogenic.

Literature cited by the submitters: PubMed 16905551; PubMed 19349279; PubMed 16571647; PubMed 17701892; PubMed 17657824.

NM_000138.5(FBN1):c.5160C>G (p.Cys1720Trp)

Gene: FBN1 (fibrillin 1; minus strand). Cytogenetic location: 15q21.1.
Variant type: single nucleotide variant.
Coding change: c.5160C>G on transcript NM_000138.5 (MANE Select); coding-DNA position 5160, C replaced by G.
Protein change: p.Cys1720Trp; replaces cysteine 1720 with tryptophan.
Molecular consequence: missense variant.
Genome position (GRCh38, 1-based): chr15:48,463,146, G>C on the plus strand (C>G on the coding strand, the complement: FBN1 is on the minus strand). VCF-style: chr15-48463146-G-C. GRCh37 (hg19) VCF-style: chr15-48755343-G-C.
Other names: c.5160C>G, p.Cys1720Trp (NM_001406716.1); short protein forms C1720W.
Identifiers: ClinVar variation 2942347 (VCV002942347.3), dbSNP rs2505491030, ClinGen allele CA392349169.